The following is an entry in ClinVar:

NM_003172.4(SURF1):c.607C>T (p.Leu203Phe)

Gene: SURF1 (SURF1 cytochrome c oxidase assembly factor; minus strand). Cytogenetic location: 9q34.2.
Variant type: single nucleotide variant.
Coding change: c.607C>T on transcript NM_003172.4 (MANE Select); coding-DNA position 607, C replaced by T.
Protein change: p.Leu203Phe; replaces leucine 203 with phenylalanine.
Molecular consequence: missense variant.
Genome position (GRCh38, 1-based): chr9:133,352,590, G>A on the plus strand (C>T on the coding strand, the complement: SURF1 is on the minus strand). VCF-style: chr9-133352590-G-A. GRCh37 (hg19) VCF-style: chr9-136219445-G-A.
Other names: c.607C>T (NM_003172.2); c.280C>T, p.Leu94Phe (NM_001280787.1); short protein forms L94F, L203F.
Identifiers: ClinVar variation 2171943 (VCV002171943.2), dbSNP rs1485382956, ClinGen allele CA375693905.

ClinVar aggregate classification (germline): Uncertain significance. Review status: criteria provided, multiple submitters, no conflicts (2 of 4 stars). 2 submissions from 2 submitters: Uncertain significance (2). Last evaluated 2025-12-04.

Conditions:
Inborn genetic diseases. Identifiers: MedGen C0950123, MeSH D030342.
Leigh syndrome (NULS). Also called: Leigh's syndrome; Subacute necrotizing encephalopathy; Necrotizing encephalopathy infantile subacute of Leigh; Leigh Disease; Leigh's necrotizing encephalopathy; Leigh's disease. Identifiers: Orphanet 506, MedGen C2931891, MONDO:0009723, OMIM 256000.

Allele frequency attached by ClinVar (database versions not stated): TOPMed below 0.00001; gnomAD 0.00001; gnomAD exomes 0.00001.

Submissions (2):

Ambry Genetics
Classification: Uncertain significance for Inborn genetic diseases. Last evaluated: 2025-12-04. Review status: criteria provided, single submitter. Criteria: Ambry Variant Classification Scheme 2023. Collection method: clinical testing. Allele origin: germline.

Labcorp Genetics (formerly Invitae), Labcorp
Classification: Uncertain significance for Leigh syndrome. Last evaluated: 2022-03-03. Review status: criteria provided, single submitter. Criteria: Invitae Variant Classification Sherloc (09022015). Collection method: clinical testing. Allele origin: germline.
Comment: This sequence change replaces leucine, which is neutral and non-polar, with phenylalanine, which is neutral and non-polar, at codon 203 of the SURF1 protein (p.Leu203Phe). This variant is present in population databases (no rsID available, gnomAD 0.0009%). This variant has not been reported in the literature in individuals affected with SURF1-related conditions. Algorithms developed to predict the effect of missense changes on protein structure and function are either unavailable or do not agree on the potential impact of this missense change (SIFT: "Deleterious"; PolyPhen-2: "Possibly Damaging"; Align-GVGD: "Class C0"). In summary, the available evidence is currently insufficient to determine the role of this variant in disease. Therefore, it has been classified as a Variant of Uncertain Significance.